The following is an entry in ClinVar:

ClinVar aggregate classification (germline): Uncertain significance (1 of 4 stars; one submission).

Submission:

Labcorp Genetics (formerly Invitae), Labcorp
Classification: Uncertain significance. Last evaluated: 2022-05-19. Review status: criteria provided, single submitter. Criteria: Invitae Variant Classification Sherloc (09022015). Collection method: clinical testing. Allele origin: germline.
Comment: This sequence change replaces valine, which is neutral and non-polar, with glycine, which is neutral and non-polar, at codon 202 of the SLC12A6 protein (p.Val202Gly). This variant is not present in population databases (gnomAD no frequency). This variant has not been reported in the literature in individuals affected with SLC12A6-related conditions. Advanced modeling of protein sequence and biophysical properties (such as structural, functional, and spatial information, amino acid conservation, physicochemical variation, residue mobility, and thermodynamic stability) performed at Invitae indicates that this missense variant is expected to disrupt SLC12A6 protein function. In summary, the available evidence is currently insufficient to determine the role of this variant in disease. Therefore, it has been classified as a Variant of Uncertain Significance.

NM_001365088.1(SLC12A6):c.605T>G (p.Val202Gly)

Gene: SLC12A6 (solute carrier family 12 member 6; minus strand). Cytogenetic location: 15q14.
Variant type: single nucleotide variant.
Coding change: c.605T>G on transcript NM_001365088.1 (MANE Select); coding-DNA position 605, T replaced by G.
Protein change: p.Val202Gly; replaces valine 202 with glycine.
Molecular consequence: missense variant.
Genome position (GRCh38, 1-based): chr15:34,257,727, A>C on the plus strand (T>G on the coding strand, the complement: SLC12A6 is on the minus strand). VCF-style: chr15-34257727-A-C. GRCh37 (hg19) VCF-style: chr15-34549928-A-C.
Other names: c.428T>G, p.Val143Gly (NM_001042494.2, NM_001042495.2); c.578T>G, p.Val193Gly (NM_001042496.2); c.560T>G, p.Val187Gly (NM_001042497.2); c.452T>G, p.Val151Gly (NM_005135.2); c.605T>G, p.Val202Gly (NM_133647.2); short protein forms V187G, V143G, V193G, V151G, V202G.
Identifiers: ClinVar variation 1996507 (VCV001996507.4), dbSNP rs2509832738, ClinGen allele CA391612830.